The following is an entry in ClinVar:

NM_014625.4(NPHS2):c.890C>T (p.Ala297Val)

Genes: AXDND1 (axonemal dynein light chain domain containing 1; plus strand), NPHS2 (NPHS2 stomatin family member, podocin; minus strand). Cytogenetic location: 1q25.2.
Variant type: single nucleotide variant.
Coding change: c.890C>T on transcript NM_014625.4 (MANE Select); coding-DNA position 890, C replaced by T.
Protein change: p.Ala297Val; replaces alanine 297 with valine.
Molecular consequence: missense variant. On other transcripts: intron variant (1).
Genome position (GRCh38, 1-based): chr1:179,551,435, G>A on the plus strand (C>T on the coding strand, the complement: NPHS2 is on the minus strand). VCF-style: chr1-179551435-G-A. GRCh37 (hg19) VCF-style: chr1-179520570-G-A.
Other names: c.686C>T, p.Ala229Val (NM_001297575.2); c.3032-3077G>A (NM_144696.6); short protein forms A297V, A229V.
Identifiers: ClinVar variation 370718 (VCV000370718.17), dbSNP rs199506378, ClinGen allele CA1267067.

ClinVar aggregate classification (germline): Pathogenic/Likely pathogenic. Review status: criteria provided, multiple submitters, no conflicts (2 of 4 stars). 10 submissions from 10 submitters: Pathogenic (4); Likely pathogenic (4). 2 of the submissions do not count toward it. Last evaluated 2025-09-16.

Conditions:
Idiopathic nephrotic syndrome. Also called: Nephrotic syndrome, idiopathic, steroid-resistant. Identifiers: Orphanet 357502, MedGen C3496337, MONDO:0018170.
Inborn genetic diseases. Identifiers: MedGen C0950123, MeSH D030342.
Nephrotic syndrome. Identifiers: MedGen C0027726, MONDO:0005377, HP:0000100.
Steroid-resistant nephrotic syndrome. Identifiers: MedGen C0403397, MONDO:0044765, HP:0012588.
Nephrotic syndrome, type 2 (NPHS2). Also called: NEPHROTIC SYNDROME, STEROID-RESISTANT, AUTOSOMAL RECESSIVE. Identifiers: Orphanet 656, MedGen C1868672, MONDO:0010974, OMIM 600995.

Allele frequency attached by ClinVar (database versions not stated): gnomAD exomes below 0.00001; gnomAD 0.00002; TOPMed 0.00003; ExAC 0.00001.
gnomAD v4.1: 4 of 1,613,320 alleles (0.00025%); highest among the groups gnomAD compares: African/African-American, 0.004%; no homozygotes.

Submissions (10):

Natera, Inc.
Classification: Pathogenic for Steroid-resistant nephrotic syndrome. Last evaluated: 2025-09-16. Review status: criteria provided, single submitter. Criteria: Natera Variant Classification Schema (03/2026). Collection method: clinical testing. Allele origin: germline.
Comment: The c.890C>T variant in NPHS2 is a missense variant predicted to cause substitution of alanine to valine at amino acid 297. This variant is rare in the general population with a frequency below the threshold expected for the associated phenotype(s). This variant has been observed in one or more individuals affected with the associated recessive disease, as either homozygous or compound heterozygous with a second variant (PMID: 25349199, 12707396, 12464671). Additionally, this variant has been observed to segregate in affected family members (PMID: 12707396). Computational prediction algorithms indicate this variant is likely to affect gene or protein function. Given the available evidence, this variant is classified as Pathogenic.

Labcorp Genetics (formerly Invitae), Labcorp
Classification: Pathogenic. Last evaluated: 2025-06-06. Review status: criteria provided, single submitter. Criteria: Invitae Variant Classification Sherloc (09022015). Collection method: clinical testing. Allele origin: germline.
Comment: This sequence change replaces alanine, which is neutral and non-polar, with valine, which is neutral and non-polar, at codon 297 of the NPHS2 protein (p.Ala297Val). The frequency data for this variant in the population databases is considered unreliable, as metrics indicate poor data quality at this position in the gnomAD database. This missense change has been observed in individual(s) with clinical features of steroid-resistant nephrotic syndrome (PMID: 12464671, 12707396, 19145239, 24509478, 26413278, 28780565). It has been reported in trans with the variant p.Arg229Gln in related affected individuals. This suggests that the combination of p.Arg229Gln and this variant may be clinically significant. ClinVar contains an entry for this variant (Variation ID: 370718). Invitae Evidence Modeling of protein sequence and biophysical properties (such as structural, functional, and spatial information, amino acid conservation, physicochemical variation, residue mobility, and thermodynamic stability) has been performed for this missense variant. However, the output from this modeling did not meet the statistical confidence thresholds required to predict the impact of this variant on NPHS2 protein function. This variant has been shown to alter NPHS2 (podocin) protein function, resulting in podocin mislocalization when in combination with p.Arg229Gln-podocin (PMID: 24509478). For these reasons, this variant has been classified as Pathogenic.

3billion
Classification: Likely pathogenic for Nephrotic syndrome, type 2. Last evaluated: 2025-04-16. Review status: criteria provided, single submitter. Criteria: ACMG Guidelines, 2015. Collection method: clinical testing. Allele origin: germline. Affected: yes.

Fulgent Genetics
Classification: Pathogenic for Nephrotic syndrome, type 2. Last evaluated: 2024-06-17. Review status: criteria provided, single submitter. Criteria: ACMG Guidelines, 2015. Collection method: clinical testing. Allele origin: germline.

Ambry Genetics
Classification: Pathogenic for Inborn genetic diseases. Last evaluated: 2023-06-16. Review status: criteria provided, single submitter. Criteria: Ambry Variant Classification Scheme 2023. Collection method: clinical testing. Allele origin: germline.
Comment: The c.890C>T (p.A297V) alteration is located in exon 8 (coding exon 8) of the NPHS2 gene. This alteration results from a C to T substitution at nucleotide position 890, causing the alanine (A) at amino acid position 297 to be replaced by a valine (V). Based on data from gnomAD, the T allele has an overall frequency of 0.001% (2/282136) total alleles studied. The highest observed frequency was 0.008% (2/24964) of African alleles. This alteration has been reported in trans with a second NPHS2 alteration in multiple individuals with clinical features consistent with NPHS2-related nephrotic syndrome (Tsukaguchi, 2002; Caridi, 2003; Machuca, 2009; Lipska, 2013; Phelan, 2015; Sen, 2017; Jyoti, 2020). This amino acid position is poorly conserved in available vertebrate species. Functional analysis suggests that when associated with p.R229Q podocin, the p.A297V alteration has a dominant-negative effect leading to p.R229Q podocin being retained in the cytoplasm. When the p.A297V alteration is associated with wildtype podocin, p.A297V behaves as a recessive alteration (Tory, 2014). The in silico prediction for this alteration is inconclusive. Based on the available evidence, this alteration is classified as pathogenic.

Genome-Nilou Lab
Classification: Likely pathogenic for Nephrotic syndrome, type 2. Last evaluated: 2023-04-11. Review status: criteria provided, single submitter. Criteria: ACMG Guidelines, 2015. Collection method: clinical testing. Allele origin: germline. Affected: no.

Genetics and Molecular Pathology, SA Pathology
Classification: Likely pathogenic for Nephrotic syndrome, type 2. Last evaluated: 2022-08-02. Review status: criteria provided, single submitter. Criteria: ACMG Guidelines, 2015. Collection method: clinical testing. Allele origin: germline. Inheritance: Autosomal recessive inheritance. Affected: yes.
Comment: The NPHS2 c.890C>T variant is classified as LIKELY PATHOGENIC (PS4_Moderate, PS3, PM2, PP3) The NPHS2 c.890C>T variant is a single nucleotide change in exon 8/8 of the NPHS2 gene, which is predicted to change the amino acid alanine at position 297 in the protein to valine. The variant is rare in population databases (PM2) and has been reported in at least 4 probands with a clinical presentation of focal segmental glomerulosclerosis (HGMD – CM023109) (PS4_Moderate). Transfection studies in human podocyte cell lines showed that when the p.Ala297Val variant was co-expressed with p.Arg229Gln (also in this patient), podocin was retained in the cytoplasm, rather than localising properly to the plasma membrane (Tory et al. 2014 PMID:24509478) (PS3). Computational structural modelling showed the p.Ala297Val variant in trans with p.Arg229Gln led to altered dimerisation. They predicted this most likely contributed to the retention of podocin within cytoplasmic compartments. Computational predictions support a deleterious effect on the gene or gene product (PP3). The variant has been reported in dbSNP (rs199506378) and in the HGMD database: CM023109. It has been reported as pathogenicy by other diagnostic laboratories (ClinVar Variation ID: 370718).

Women's Health and Genetics/Laboratory Corporation of America, LabCorp
Classification: Likely pathogenic for Idiopathic nephrotic syndrome. Last evaluated: 2022-06-27. Review status: criteria provided, single submitter. Criteria: LabCorp Variant Classification Summary - May 2015. Collection method: clinical testing. Allele origin: germline.
Comment: Variant summary: NPHS2 c.890C>T (p.Ala297Val) results in a non-conservative amino acid change located in the Band 7 domain (IPR001107) of the encoded protein sequence. Four of five in-silico tools predict a damaging effect of the variant on protein function. The variant allele was found at a frequency of 4e-06 in 250734 control chromosomes. c.890C>T has been reported in the literature as a compound heterozygous genotype with the NPHS2 p.R229Q variant in individuals affected with features of steroid-resistant nephrotic syndrome (SRNS)/focal and segmental glomerulosclerosis (FSGS) (example, Machuca_2009, Tsukaguchi_2002, Buscher_2010, Sen_2017, Lipska_2013). These data indicate that the variant is very likely to be associated with disease. To our knowledge, no variant specific experimental evidence demonstrating an impact on protein function has been reported, although colocalization of truncated podocin variants with an intact H1 domain was strongly influenced by A297V. A dispersed reticular localization when coexpressed with A297V similar to R229Q-A297V association (Straner_2018). Three clinical diagnostic laboratories have submitted clinical-significance assessments for this variant to ClinVar after 2014 without evidence for independent evaluation. Based on the evidence outlined above, the variant was classified as likely pathogenic.

Sydney Genome Diagnostics, Children's Hospital Westmead
Classification: Likely pathogenic for Nephrotic syndrome. Last evaluated: 2018-10-19. Review status: no assertion criteria provided. Collection method: clinical testing. Allele origin: unknown. Affected: yes. Observed: 1 variant allele, 1 compound heterozygote. Not counted in ClinVar's aggregate classification.
Comment: This variant has been reported in the gnomAD browser with a very low allele frequency (1 out of 245,474 alleles). Functional studies of the p.Ala297Val mutant protein, co-expressed with the p.Arg229Gln mutant, supported a detrimental effect on protein function (Tory et al 2014 Nat Genet 46: 299-304). This variant is considered to be pathogenic according to the ACMG guidelines (evidence used: PS3, PM2, PM3).

Counsyl
Classification: Likely pathogenic for Nephrotic syndrome, type 2. Last evaluated: 2016-04-22. Review status: no assertion criteria provided. Collection method: clinical testing. Allele origin: unknown. Not counted in ClinVar's aggregate classification.

Literature cited by the submitters: PubMed 25349199 (cited by Natera, Inc. and Counsyl); PubMed 12707396 (cited by 3 submitters); PubMed 12464671 (cited by 6 submitters); PubMed 19145239 (cited by 4 submitters); PubMed 24509478 (cited by 4 submitters); PubMed 26413278 (cited by 3 submitters); PubMed 28780565 (cited by 3 submitters); PubMed 23645318 (cited by Ambry Genetics and Women's Health and Genetics/Laboratory Corporation of America, LabCorp); PubMed 33102883 (cited by Ambry Genetics); PubMed 20798252 (cited by Women's Health and Genetics/Laboratory Corporation of America, LabCorp and Counsyl); PubMed 29644057 (cited by Women's Health and Genetics/Laboratory Corporation of America, LabCorp); PubMed 29382718 (cited by Women's Health and Genetics/Laboratory Corporation of America, LabCorp); PubMed 29660491 (cited by Women's Health and Genetics/Laboratory Corporation of America, LabCorp); PubMed 23515051 (cited by Counsyl).